The following is an entry in ClinVar:

ClinVar aggregate classification (germline): Uncertain significance. Review status: criteria provided, multiple submitters, no conflicts (2 of 4 stars). 9 submissions from 8 submitters: Uncertain significance (9). Last evaluated 2025-09-16.

Conditions:
Type 2 diabetes mellitus. Also called: Type II diabetes mellitus. Identifiers: MedGen C0011860, MeSH D003924, MONDO:0005148, OMIM 125853, HP:0005978.
Wolfram syndrome 1 (WFS1). Identifiers: Orphanet 3463, MedGen C4551693, MONDO:0009101, OMIM 222300.
WFS1-Related Spectrum Disorders.
Autosomal dominant nonsyndromic hearing loss 6 (LFSNHL). Also called: DEAFNESS, AUTOSOMAL DOMINANT 6; Autosomal dominant nonsyndromic deafness 6; DEAFNESS, AUTOSOMAL DOMINANT 14; DEAFNESS, AUTOSOMAL DOMINANT 38. Identifiers: Orphanet 90635, MedGen C1833021, MONDO:0010963, OMIM 600965.
WFS1-related disorder. Identifiers: MedGen CN379391, MONDO:0700293.

Allele frequency attached by ClinVar (database versions not stated): gnomAD 0.00001 and 0.00002; ExAC 0.00004.
gnomAD v4.1: 49 of 1,570,208 alleles (0.0031%); highest among the groups gnomAD compares: Middle Eastern, 0.58%; 2 homozygotes.

Submissions (9):

PreventionGenetics, part of Exact Sciences
Classification: Uncertain significance for WFS1-related condition. Last evaluated: 2025-09-16. Review status: criteria provided, single submitter. Criteria: ACMG Guidelines, 2015. Collection method: clinical testing. Allele origin: germline.
Comment: The WFS1 c.176C>T variant is predicted to result in the amino acid substitution p.Ala59Val. To our knowledge, this variant has not been reported in the literature. This variant is reported in 0.0023% of alleles in individuals of European (Non-Finnish) descent in gnomAD. At this time, the clinical significance of this variant is uncertain due to the absence of conclusive functional and genetic evidence.

Labcorp Genetics (formerly Invitae), Labcorp
Classification: Uncertain significance. Last evaluated: 2025-03-05. Review status: criteria provided, single submitter. Criteria: Invitae Variant Classification Sherloc (09022015). Collection method: clinical testing. Allele origin: germline.
Comment: This sequence change replaces alanine, which is neutral and non-polar, with valine, which is neutral and non-polar, at codon 59 of the WFS1 protein (p.Ala59Val). The frequency data for this variant in the population databases is considered unreliable, as metrics indicate poor data quality at this position in the gnomAD database. This variant has not been reported in the literature in individuals affected with WFS1-related conditions. ClinVar contains an entry for this variant (Variation ID: 903895). Invitae Evidence Modeling of protein sequence and biophysical properties (such as structural, functional, and spatial information, amino acid conservation, physicochemical variation, residue mobility, and thermodynamic stability) indicates that this missense variant is not expected to disrupt WFS1 protein function with a negative predictive value of 80%. In summary, the available evidence is currently insufficient to determine the role of this variant in disease. Therefore, it has been classified as a Variant of Uncertain Significance.

Blueprint Genetics
Classification: Uncertain significance. Last evaluated: 2024-05-31. Review status: criteria provided, single submitter. Criteria: ACMG Guidelines, 2015. Collection method: clinical testing. Allele origin: germline.

New York Genome Center
Classification: Uncertain significance for Wolfram syndrome 1; Type 2 diabetes mellitus. Last evaluated: 2023-01-17. Review status: criteria provided, single submitter. Criteria: NYGC Assertion Criteria 2020. Collection method: clinical testing. Allele origin: germline. Observed: 1 heterozygote.
Comment: The c.176C>T variant has not previously been reported in the literature and it has been deposited in ClinVar [ClinVar ID: 903895] as a Variant of Uncertain Significance (3 entries). The c.176C>T variant is observed in 6 alleles (0.0011% minor allele frequency with 0 homozygotes) in population databases (gnomAD v2.1.1and v3.1.2, TOPMed Freeze 8), suggesting it is not a common benign variant in the populations represented in those databases. The c.176C>T variant is located inexon 2 of this 8-exon gene and is predicted to replace a moderately conserved alanine amino acid with valine at position 59 p.(Ala59Val) in the encoded protein.In silico predictions are not in favor of the damaging effect for the p.(Ala59Val) variant [(CADD v1.6 = 15.94, REVEL = 0.205)]; however, there are no functional studies to support or refute these predictions. A different missense variant (p.Ala59Ser) affecting the same codon has been reported in ClinVar (Variation ID: 1320724) as a variant of Uncertain significance. Based on available evidence this c.176C>T p.(Ala59Val) variant identified in WFS1 is classified as a Variant ofUncertain Significance.

GeneDx
Classification: Uncertain significance. Last evaluated: 2020-04-09. Review status: criteria provided, single submitter. Criteria: GeneDx Variant Classification Process June 2021. Collection method: clinical testing. Allele origin: germline. Affected: yes.
Comment: Has not been previously published as pathogenic or benign to our knowledge; In silico analysis supports that this missense variant does not alter protein structure/function

Illumina Laboratory Services, Illumina
Classification: Uncertain significance for WFS1-Related Spectrum Disorders. Last evaluated: 2018-01-12. Review status: criteria provided, single submitter. Criteria: ICSL Variant Classification Criteria 13 December 2019. Collection method: clinical testing. Allele origin: germline.

Illumina Laboratory Services, Illumina
Classification: Uncertain significance for Autosomal dominant nonsyndromic hearing loss 6. Last evaluated: 2018-01-12. Review status: criteria provided, single submitter. Criteria: ICSL Variant Classification Criteria 13 December 2019. Collection method: clinical testing. Allele origin: germline.

Breakthrough Genomics
Classification: Uncertain significance. Review status: criteria provided, single submitter. Criteria: ACMG Guidelines, 2015. Collection method: not provided. Allele origin: germline. Inheritance: Autosomal recessive inheritance. Affected: yes.

Clinical Genomics, Uppaluri K&H Personalized Medicine Clinic
Classification: Uncertain significance for Wolfram syndrome 1. Review status: criteria provided, single submitter. Criteria: K & H Uppaluri Personalized Medicine Clinic Variant Classification & Assertion Criteria_Updated V.1. Collection method: research. Allele origin: unknown. Inheritance: Autosomal recessive inheritance.
Comment: Potent mutations in WFS1 gene are associated with Wolfram's syndrome, an autosomal recessive condition, which cause diabetes mellitus, diabetes insipidus, deafness and optic atrophy. However no sufficient evidence is found to ascertain the role of this particular variant rs71524365 in Wolfram's syndrome yet.

Literature cited by the submitters: PubMed 20738327 (cited by Clinical Genomics, Uppaluri K&H Personalized Medicine Clinic); PubMed 33879153 (cited by Clinical Genomics, Uppaluri K&H Personalized Medicine Clinic); PubMed 12955714 (cited by Clinical Genomics, Uppaluri K&H Personalized Medicine Clinic); PubMed 18060660 (cited by Clinical Genomics, Uppaluri K&H Personalized Medicine Clinic); PubMed 20301750 (cited by Clinical Genomics, Uppaluri K&H Personalized Medicine Clinic); PubMed 17603484 (cited by Clinical Genomics, Uppaluri K&H Personalized Medicine Clinic).

NM_006005.3(WFS1):c.176C>T (p.Ala59Val)

Gene: WFS1 (wolframin ER transmembrane glycoprotein; plus strand). Cytogenetic location: 4p16.1.
Variant type: single nucleotide variant.
Coding change: c.176C>T on transcript NM_006005.3 (MANE Select); coding-DNA position 176, C replaced by T.
Protein change: p.Ala59Val; replaces alanine 59 with valine.
Molecular consequence: missense variant.
Genome position (GRCh38, 1-based): chr4:6,277,631, C>T. VCF-style: chr4-6277631-C-T. GRCh37 (hg19) VCF-style: chr4-6279358-C-T.
Other names: c.176C>T, p.Ala59Val (NM_001145853.1); short protein forms A59V.
Identifiers: ClinVar variation 903895 (VCV000903895.16), dbSNP rs71524365, ClinGen allele CA2838812.
Genomic context (GRCh38, chr4:6,277,631, plus strand): 5'-AAAGGCCCCGAGCACCCGGACCCCAGGCTGGCCCTGGCCCTGGTGTTAGAGACGCAGCGG[C>T]CCCCGCTGAACCCCAGGCCCAGCATACCAGGAGCCGGGAAAGAGCAGACGGCACCGGTAA-3'
Protein context (NP_005996.2, residues 49-69): GPGPGVRDAA[Ala59Val]PAEPQAQHTR